The following is an entry in ClinVar:

ClinVar aggregate classification (germline): Uncertain significance. Review status: criteria provided, multiple submitters, no conflicts (2 of 4 stars). 2 submissions from 2 submitters: Uncertain significance (2). Last evaluated 2022-06-24.

Conditions:
Inborn genetic diseases. Identifiers: MedGen C0950123, MeSH D030342.

Allele frequency attached by ClinVar (database versions not stated): gnomAD 0.00001; ExAC 0.00002; TOPMed 0.00002; gnomAD exomes 0.00005.
gnomAD v4.1: 60 of 1,613,984 alleles (0.0037%); highest among the groups gnomAD compares: South Asian, 0.034%; 1 homozygote.

Submissions (2):

Ambry Genetics
Classification: Uncertain significance for Inborn genetic diseases. Last evaluated: 2022-06-24. Review status: criteria provided, single submitter. Criteria: Ambry Variant Classification Scheme 2023. Collection method: clinical testing. Allele origin: germline.

GeneDx
Classification: Uncertain significance. Last evaluated: 2022-05-23. Review status: criteria provided, single submitter. Criteria: GeneDx Variant Classification Process June 2021. Collection method: clinical testing. Allele origin: germline. Affected: yes.
Comment: In silico analysis supports that this missense variant does not alter protein structure/function; Has not been previously published as pathogenic or benign to our knowledge

NM_198565.3(NRROS):c.863G>A (p.Arg288Gln)

Gene: NRROS (negative regulator of reactive oxygen species; plus strand). Cytogenetic location: 3q29.
Variant type: single nucleotide variant.
Coding change: c.863G>A on transcript NM_198565.3 (MANE Select); coding-DNA position 863, G replaced by A.
Protein change: p.Arg288Gln; replaces arginine 288 with glutamine.
Molecular consequence: missense variant.
Genome position (GRCh38, 1-based): chr3:196,660,506, G>A. VCF-style: chr3-196660506-G-A. GRCh37 (hg19) VCF-style: chr3-196387377-G-A.
Other names: c.863G>A (NM_198565.1); short protein forms R288Q.
Identifiers: ClinVar variation 1687678 (VCV001687678.5), dbSNP rs773554340, ClinGen allele CA2781805.